The following is an entry in ClinVar:

ClinVar aggregate classification (germline): Uncertain significance (1 of 4 stars; one submission).

Conditions:
Anauxetic dysplasia. Identifiers: Orphanet 93347, MedGen C1846796, MONDO:0011773.

Submission:

Labcorp Genetics (formerly Invitae), Labcorp
Classification: Uncertain significance for Anauxetic dysplasia. Last evaluated: 2021-07-12. Review status: criteria provided, single submitter. Criteria: Invitae Variant Classification Sherloc (09022015). Collection method: clinical testing. Allele origin: germline.
Comment: This variant occurs in the RMRP gene, which encodes an RNA molecule that does not result in a protein product. The frequency data for this variant in the population databases is considered unreliable, as metrics indicate insufficient coverage at this position in the ExAC database. This variant has not been reported in the literature in individuals affected with RMRP-related conditions. Experimental studies and prediction algorithms are not available or were not evaluated, and the functional significance of this variant is currently unknown. In summary, the available evidence is currently insufficient to determine the role of this variant in disease. Therefore, it has been classified as a Variant of Uncertain Significance.

NC_000009.12:g.35658092G>A

Gene: RMRP (RNA component of mitochondrial RNA processing endoribonuclease; minus strand). Cytogenetic location: 9p13.3.
Variant type: single nucleotide variant.
Genome position: GRCh38 VCF-style: chr9-35658092-G-A. GRCh37 (hg19) VCF-style: chr9-35658089-G-A.
Identifiers: ClinVar variation 1522450 (VCV001522450.5), dbSNP rs536842279, ClinGen allele CA2573144666.